The following is an entry in ClinVar:

ClinVar aggregate classification (germline): Pathogenic (1 of 4 stars; one submission).

Conditions:
Hereditary breast ovarian cancer syndrome. Also called: BRCA1- and BRCA2-Associated Hereditary Breast and Ovarian Cancer; Hereditary breast and/or ovarian cancer syndrome; Hereditary breast and ovarian cancer; Hereditary breast and ovarian cancer syndrome (HBOC); Breast and ovarian cancer; Hereditary breast and ovarian cancer syndrome. Identifiers: Orphanet 145, MedGen C0677776, MeSH D061325, MONDO:0003582. Disease mechanism: loss of function.

Submission:

Labcorp Genetics (formerly Invitae), Labcorp
Classification: Pathogenic for Hereditary breast ovarian cancer syndrome. Last evaluated: 2023-03-16. Review status: criteria provided, single submitter. Criteria: Invitae Variant Classification Sherloc (09022015). Collection method: clinical testing. Allele origin: germline.
Comment: This sequence change creates a premature translational stop signal (p.Leu498Profs*4) in the BRCA1 gene. It is expected to result in an absent or disrupted protein product. Loss-of-function variants in BRCA1 are known to be pathogenic (PMID: 20104584). This variant is not present in population databases (gnomAD no frequency). This premature translational stop signal has been observed in individual(s) with ovarian cancer (PMID: 26541979). For these reasons, this variant has been classified as Pathogenic.

Literature cited by the submitters: PubMed 20104584; PubMed 26541979.

NM_007294.4(BRCA1):c.1492dup (p.Leu498fs)

Gene: BRCA1 (BRCA1 DNA repair associated; minus strand). Cytogenetic location: 17q21.31.
Variant type: Duplication.
Coding change: c.1492dup on transcript NM_007294.4 (MANE Select); coding-DNA position 1492, one base duplicated (C; older notation c.1492dupC).
Protein change: p.Leu498fs; shifts the reading frame from leucine 498.
Molecular consequence: frameshift variant. On other transcripts: intron variant (137).
Genome position (GRCh38, 1-based): chr17:43,094,039, G duplicated on the plus strand (C on the coding strand, the reverse complement: BRCA1 is on the minus strand); the first of 4 consecutive G bases (chr17:43,094,039-43,094,042); duplicating any one gives the same sequence. VCF-style (leftmost placement, unchanged base first): chr17-43094038-A-AG. GRCh37 (hg19) VCF-style: chr17-41246055-A-AG.
Other names: c.1279dup, p.Leu427fs (NM_001407571.1, NM_001407853.1, NM_001407894.1 and 9 more transcripts); c.1492dup, p.Leu498fs (NM_001407581.1, NM_001407582.1, NM_001407583.1 and 30 more transcripts); c.1489dup, p.Leu497fs (NM_001407587.1, NM_001407590.1, NM_001407591.1 and 22 more transcripts); c.1483dup, p.Leu495fs (NM_001407646.1, NM_001407647.1); c.1369dup, p.Leu457fs (NM_001407648.1, NM_001407664.1, NM_001407665.1 and 19 more transcripts); c.1366dup, p.Leu456fs (NM_001407649.1, NM_001407670.1, NM_001407671.1 and 11 more transcripts); c.1414dup, p.Leu472fs (NM_001407653.1, NM_001407654.1, NM_001407655.1 and 4 more transcripts); c.1411dup, p.Leu471fs (NM_001407659.1, NM_001407660.1, NM_001407661.1 and 1 more transcripts); and 40 more; short protein forms L451fs, L498fs, L370fs, L456fs, L495fs, L202fs, L387fs, L427fs.
Identifiers: ClinVar variation 2736596 (VCV002736596.3), dbSNP rs80357527, ClinGen allele CA2499224553.